The following is an entry in ClinVar:

NM_001393769.1(MED12L):c.322C>T (p.Arg108Ter)

Gene: MED12L (mediator complex subunit 12L; plus strand). Cytogenetic location: 3q25.1.
Variant type: single nucleotide variant.
Coding change: c.322C>T on transcript NM_001393769.1 (MANE Select); coding-DNA position 322, C replaced by T.
Protein change: p.Arg108Ter; replaces arginine 108 with a stop codon.
Molecular consequence: nonsense.
Genome position (GRCh38, 1-based): chr3:151,122,900, C>T. VCF-style: chr3-151122900-C-T. GRCh37 (hg19) VCF-style: chr3-150840687-C-T.
Other names: c.322C>T, p.Arg108Ter (NM_053002.6); short protein forms R108*.
Identifiers: ClinVar variation 4998885 (VCV004998885.1).
Genomic context (GRCh38, chr3:151,122,900, plus strand): 5'-GACACGGGAAAGAAGAAACCACAAGTTAATGCTAAAGATAATTATTGGCTGGTTACTGCT[C>T]GATCCCAGAGTGCAATTCATAGTTGGTTTTCTGACTTAGCAGGAAATAAGCCACTTTCTA-3'

ClinVar aggregate classification (germline): Uncertain significance (1 of 4 stars; one submission).

Conditions:
MED12L-related disorder. Also called: MED12L-related condition.

gnomAD v4.1: 1 of 1,612,746 alleles (0.000062%); highest among the groups gnomAD compares: African/African-American, 0.0013%; no homozygotes.

Submission:

PreventionGenetics, part of Exact Sciences
Classification: Uncertain significance for MED12L-related condition. Last evaluated: 2025-02-05. Review status: criteria provided, single submitter. Criteria: ACMG Guidelines, 2015. Collection method: clinical testing. Allele origin: germline.
Comment: The MED12L c.322C>T variant is predicted to result in premature protein termination (p.Arg108*). To our knowledge, this variant has not been reported in the literature. This variant is reported in 0.001% of alleles in individuals of African descent in gnomAD v4 (GRCh38). A limited number of de novo truncating and splicing variants have been reported in individuals with variable neurodevelopmental disorders (Nizon et al. 2019. PubMed ID: 31155615). Although we suspect that this variant may be pathogenic, at this time, the clinical significance of this variant is uncertain due to the absence of conclusive functional and genetic evidence.